The following is an entry in ClinVar:

NM_015272.5(RPGRIP1L):c.3430C>G (p.Gln1144Glu)

Gene: RPGRIP1L (RPGRIP1 like; minus strand). Cytogenetic location: 16q12.2.
Variant type: single nucleotide variant.
Coding change: c.3430C>G on transcript NM_015272.5 (MANE Select); coding-DNA position 3430, C replaced by G.
Protein change: p.Gln1144Glu; replaces glutamine 1144 with glutamic acid.
Molecular consequence: missense variant. On other transcripts: intron variant (2).
Genome position (GRCh38, 1-based): chr16:53,622,221, G>C on the plus strand (C>G on the coding strand, the complement: RPGRIP1L is on the minus strand). VCF-style: chr16-53622221-G-C. GRCh37 (hg19) VCF-style: chr16-53656133-G-C.
Other names: c.3430C>G (NM_015272.4); c.3328C>G, p.Gln1110Glu (NM_001330538.2); c.3193-3013C>G (NM_001127897.4); c.3295-3013C>G (NM_001308334.3); short protein forms Q1110E, Q1144E.
Identifiers: ClinVar variation 1445350 (VCV001445350.10), dbSNP rs1050777749, ClinGen allele CA281358284.
Genomic context (GRCh38, chr16:53,622,221, plus strand): 5'-GAGACCAGCATGGCCAACATAGTGAAACCCCGTCTCTGCTAAAATTACAAAAAATTACCT[G>C]GGTGTGGTGGCAGGCACCTGTAATCCCATCTACTTGGGAGGCTGAGGCAGGAAAATCGCT-3'
Protein context (NP_056087.2, residues 1134-1154): DGITGACHHT[Gln1144Glu]PSEKIRIEII

ClinVar aggregate classification (germline): Uncertain significance. Review status: criteria provided, multiple submitters, no conflicts (2 of 4 stars). 3 submissions from 3 submitters: Uncertain significance (2). 1 of the submissions does not count toward it. Last evaluated 2025-08-11.

Conditions:
Meckel syndrome, type 5 (MKS5). Identifiers: Orphanet 564, MedGen C1969052, MONDO:0012695, OMIM 611561.
COACH syndrome 3. Identifiers: MedGen C5436841, MONDO:0030862, OMIM 619113.
Joubert syndrome 7 (JBTS7). Identifiers: Orphanet 220497, MedGen C1969053, MONDO:0012694, OMIM 611560.
Joubert syndrome. Also called: Familial aplasia of the vermis; JOUBERT-BOLTSHAUSER SYNDROME. Identifiers: Orphanet 475, MedGen C5979921, MONDO:0018772.
Meckel-Gruber syndrome. Also called: DYSENCEPHALIA SPLANCHNOCYSTICA; GRUBER SYNDROME; Dysencephalia splachnocystica. Identifiers: Orphanet 564, MedGen C0265215, MONDO:0018921.
RPGRIP1L-related disorder. Also called: RPGRIP1L-related condition; RPGRIP1L-related disorders. Identifiers: MedGen CN239416.

Allele frequency attached by ClinVar (database versions not stated): gnomAD exomes 0.00002; gnomAD 0.00011; 1000 Genomes Project 30x 0.00016.
gnomAD v4.1: 21 of 663,794 alleles (0.0032%); highest among the groups gnomAD compares: African/African-American, 0.036%; no homozygotes.

Submissions (3):

Labcorp Genetics (formerly Invitae), Labcorp
Classification: Uncertain significance for Joubert syndrome; Meckel-Gruber syndrome. Last evaluated: 2025-08-11. Review status: criteria provided, single submitter. Criteria: Invitae Variant Classification Sherloc (09022015). Collection method: clinical testing. Allele origin: germline.
Comment: This sequence change replaces glutamine, which is neutral and polar, with glutamic acid, which is acidic and polar, at codon 1144 of the RPGRIP1L protein (p.Gln1144Glu). This variant is present in population databases (no rsID available, gnomAD 0.03%). This variant has not been reported in the literature in individuals affected with RPGRIP1L-related conditions. ClinVar contains an entry for this variant (Variation ID: 1445350). An algorithm developed to predict the effect of missense changes on protein structure and function (PolyPhen-2) suggests that this variant is likely to be tolerated. In summary, the available evidence is currently insufficient to determine the role of this variant in disease. Therefore, it has been classified as a Variant of Uncertain Significance.

Fulgent Genetics
Classification: Uncertain significance for Joubert syndrome 7; Meckel syndrome, type 5; COACH syndrome 3. Last evaluated: 2024-03-02. Review status: criteria provided, single submitter. Criteria: ACMG Guidelines, 2015. Collection method: clinical testing. Allele origin: germline.

PreventionGenetics, part of Exact Sciences
Classification: Uncertain significance for RPGRIP1L-related condition. Last evaluated: 2024-08-29. Review status: no assertion criteria provided. Collection method: clinical testing. Allele origin: germline. Not counted in ClinVar's aggregate classification.
Comment: The RPGRIP1L c.3430C>G variant is predicted to result in the amino acid substitution p.Gln1144Glu. To our knowledge, this variant has not been reported in the literature. This variant is reported in 0.029% of alleles in individuals of African descent in gnomAD. At this time, the clinical significance of this variant is uncertain due to the absence of conclusive functional and genetic evidence.